The following is an entry in ClinVar:

ClinVar aggregate classification (germline): Uncertain significance. Review status: criteria provided, multiple submitters, no conflicts (2 of 4 stars). 2 submissions from 2 submitters: Uncertain significance (2). Last evaluated 2019-07-17.

Conditions:
Cardiovascular phenotype. Identifiers: MedGen CN230736.
Sick sinus syndrome 2, autosomal dominant (SSS2). Also called: ATRIAL FIBRILLATION WITH BRADYARRHYTHMIA; SINUS BRADYCARDIA SYNDROME, FAMILIAL, AUTOSOMAL DOMINANT; SINUS NODE DISEASE, FAMILIAL, AUTOSOMAL DOMINANT; SICK SINUS SYNDROME 2; SICK SINUS SYNDROME 2 WITH OR WITHOUT CARDIAC NONCOMPACTION AND/OR ASCENDING AORTA DILATION. Identifiers: Orphanet 166282, MedGen C1834144, MONDO:0008102, OMIM 163800.

Allele frequency attached by ClinVar (database versions not stated): gnomAD exomes below 0.00001.
gnomAD v4.1: 3 of 1,352,060 alleles (0.00022%); highest among the groups gnomAD compares: East Asian, 0.003%; no homozygotes.

Submissions (2):

Ambry Genetics
Classification: Uncertain significance for Cardiovascular phenotype. Last evaluated: 2019-07-17. Review status: criteria provided, single submitter. Criteria: Ambry Variant Classification Scheme 2023. Collection method: clinical testing. Allele origin: germline.
Comment: The p.G107S variant (also known as c.319G>A), located in coding exon 1 of the HCN4 gene, results from a G to A substitution at nucleotide position 319. The glycine at codon 107 is replaced by serine, an amino acid with similar properties. This amino acid position is well conserved in available vertebrate species; however, serine is the reference amino acid in other vertebrate species. In addition, this alteration is predicted to be tolerated by in silico analysis. Since supporting evidence is limited at this time, the clinical significance of this alteration remains unclear.

Illumina Laboratory Services, Illumina
Classification: Uncertain significance for Sick sinus syndrome 2, autosomal dominant. Last evaluated: 2018-01-13. Review status: criteria provided, single submitter. Criteria: ICSL Variant Classification Criteria 13 December 2019. Collection method: clinical testing. Allele origin: germline.

NM_005477.3(HCN4):c.319G>A (p.Gly107Ser)

Gene: HCN4 (hyperpolarization activated cyclic nucleotide gated potassium channel 4; minus strand). Cytogenetic location: 15q24.1.
Variant type: single nucleotide variant.
Coding change: c.319G>A on transcript NM_005477.3 (MANE Select); coding-DNA position 319, G replaced by A.
Protein change: p.Gly107Ser; replaces glycine 107 with serine.
Molecular consequence: missense variant.
Genome position (GRCh38, 1-based): chr15:73,367,952, C>T on the plus strand (G>A on the coding strand, the complement: HCN4 is on the minus strand). VCF-style: chr15-73367952-C-T. GRCh37 (hg19) VCF-style: chr15-73660293-C-T.
Other names: short protein forms G107S.
Identifiers: ClinVar variation 885698 (VCV000885698.6), dbSNP rs2043137058, ClinGen allele CA393098392.